The following is an entry in ClinVar:

NC_000019.9:g.(?_18893725)_(19312528_?)del

Genes: ARMC6 (armadillo repeat containing 6; plus strand), BORCS8 (BLOC-1 related complex subunit 8; minus strand), CERS1 (ceramide synthase 1; minus strand), COMP (cartilage oligomeric matrix protein; minus strand), COPE (COPI coat complex subunit epsilon; minus strand) and 10 more. Cytogenetic location: 19p13.11.
Variant type: Deletion.
Identifiers: ClinVar variation 1443735 (VCV001443735.4).

ClinVar aggregate classification (germline): Uncertain significance (1 of 4 stars; one submission).

Conditions:
Progressive myoclonic epilepsy type 8. Identifiers: Orphanet 424027, MedGen C5190825, MONDO:0014545, OMIM 616230.

Submission:

Labcorp Genetics (formerly Invitae), Labcorp
Classification: Uncertain significance for Progressive myoclonic epilepsy type 8. Last evaluated: 2021-03-31. Review status: criteria provided, single submitter. Criteria: Invitae Variant Classification Sherloc (09022015). Collection method: clinical testing. Allele origin: germline.
Comment: In summary, the available evidence is currently insufficient to determine the role of this variant in disease. Therefore, it has been classified as a Variant of Uncertain Significance. This variant has not been reported in the literature in individuals with CERS1-related conditions. A gross deletion of the genomic region encompassing the full coding sequence of the CERS1 gene has been identified. The current clinical and genetic evidence is not sufficient to establish whether loss-of-function variants in CERS1 cause disease. The boundaries of this event are unknown as they extend beyond the assayed region for this gene and therefore may encompass additional genes.